The following is an entry in ClinVar:

ClinVar aggregate classification (germline): Uncertain significance (1 of 4 stars; one submission).

Conditions:
Joubert syndrome. Also called: CEREBELLOPARENCHYMAL DISORDER IV; JOUBERT-BOLTSHAUSER SYNDROME; Familial aplasia of the vermis. Identifiers: Orphanet 475, MedGen C5979921, MONDO:0018772.

Submission:

Labcorp Genetics (formerly Invitae), Labcorp
Classification: Uncertain significance for Joubert syndrome. Last evaluated: 2019-03-15. Review status: criteria provided, single submitter. Criteria: Invitae Variant Classification Sherloc (09022015). Collection method: clinical testing. Allele origin: germline.
Comment: This variant has not been reported in the literature in individuals with INPP5E-related conditions. The frequency data for this variant in the population databases is considered unreliable, as metrics indicate insufficient coverage at this position in the ExAC database. This sequence change replaces proline with glutamine at codon 31 of the INPP5E protein (p.Pro31Gln). The proline residue is weakly conserved and there is a moderate physicochemical difference between proline and glutamine. Algorithms developed to predict the effect of missense changes on protein structure and function (SIFT, PolyPhen-2, Align-GVGD) all suggest that this variant is likely to be tolerated, but these predictions have not been confirmed by published functional studies and their clinical significance is uncertain. In summary, the available evidence is currently insufficient to determine the role of this variant in disease. Therefore, it has been classified as a Variant of Uncertain Significance. Algorithms developed to predict the effect of sequence changes on RNA splicing suggest that this variant may create or strengthen a splice site, but this prediction has not been confirmed by published transcriptional studies.

NM_019892.6(INPP5E):c.92C>A (p.Pro31Gln)

Gene: INPP5E (inositol polyphosphate-5-phosphatase E; minus strand). Cytogenetic location: 9q34.3.
Variant type: single nucleotide variant.
Coding change: c.92C>A on transcript NM_019892.6 (MANE Select); coding-DNA position 92, C replaced by A.
Protein change: p.Pro31Gln; replaces proline 31 with glutamine.
Molecular consequence: missense variant.
Genome position (GRCh38, 1-based): chr9:136,439,328, G>T on the plus strand (C>A on the coding strand, the complement: INPP5E is on the minus strand). VCF-style: chr9-136439328-G-T. GRCh37 (hg19) VCF-style: chr9-139333780-G-T.
Other names: c.92C>A, p.Pro31Gln (NM_001318502.2); short protein forms P31Q.
Identifiers: ClinVar variation 850903 (VCV000850903.10), dbSNP rs1835933216, ClinGen allele CA375571491.